The following is an entry in ClinVar:

NM_003738.5(PTCH2):c.1526dup (p.Asn509fs)

Gene: PTCH2 (patched 2; minus strand). Cytogenetic location: 1p34.1.
Variant type: Duplication.
Coding change: c.1526dup on transcript NM_003738.5 (MANE Select); coding-DNA position 1526, one base duplicated (A; older notation c.1526dupA).
Protein change: p.Asn509fs; shifts the reading frame from asparagine 509.
Molecular consequence: frameshift variant.
Genome position (GRCh38, 1-based): chr1:44,828,570, T duplicated on the plus strand (A on the coding strand, the reverse complement: PTCH2 is on the minus strand); the first of 2 consecutive T bases (chr1:44,828,570-44,828,571); duplicating either gives the same sequence. VCF-style (leftmost placement, unchanged base first): chr1-44828569-G-GT. GRCh37 (hg19) VCF-style: chr1-45294241-G-GT.
Other names: c.1526dup, p.Asn509fs (NM_001166292.2); short protein forms N509fs.
Identifiers: ClinVar variation 1423235 (VCV001423235.6), dbSNP rs1329842135, ClinGen allele CA522809827.

ClinVar aggregate classification (germline): Uncertain significance (1 of 4 stars; one submission).

Conditions:
Gorlin syndrome. Also called: Nevoid Basal Cell Carcinoma Syndrome; Basal cell nevus syndrome. Identifiers: Orphanet 377, MedGen C0004779, MONDO:0007187.

Submission:

Labcorp Genetics (formerly Invitae), Labcorp
Classification: Uncertain significance for Gorlin syndrome. Last evaluated: 2025-10-21. Review status: criteria provided, single submitter. Criteria: Invitae Variant Classification Sherloc (09022015). Collection method: clinical testing. Allele origin: germline.
Comment: This sequence change creates a premature translational stop signal (p.Asn509Lysfs*55) in the PTCH2 gene. It is expected to result in an absent or disrupted protein product. However, the current clinical and genetic evidence is not sufficient to establish whether loss-of-function variants in PTCH2 cause disease. This variant is present in population databases (no rsID available, gnomAD 0.01%). This premature translational stop signal has been observed in individual(s) with astrocytoma or personal and/or family history of breast and/or ovarian cancer (PMID: 34308104, 35017683). ClinVar contains an entry for this variant (Variation ID: 1423235). In summary, the available evidence is currently insufficient to determine the role of this variant in disease. Therefore, it has been classified as a Variant of Uncertain Significance.

Literature cited by the submitters: PubMed 34308104; PubMed 35017683.